The following is an entry in ClinVar:

ClinVar aggregate classification (germline): Pathogenic (1 of 4 stars; one submission).

Submission:

Labcorp Genetics (formerly Invitae), Labcorp
Classification: Pathogenic. Last evaluated: 2024-12-24. Review status: criteria provided, single submitter. Criteria: Invitae Variant Classification Sherloc (09022015). Collection method: clinical testing. Allele origin: germline.
Comment: This sequence change creates a premature translational stop signal (p.His1557Argfs*135) in the ANK1 gene. It is expected to result in an absent or disrupted protein product. Loss-of-function variants in ANK1 are known to be pathogenic (PMID: 8640229). This variant is not present in population databases (gnomAD no frequency). This variant has not been reported in the literature in individuals affected with ANK1-related conditions. For these reasons, this variant has been classified as Pathogenic.

Literature cited by the submitters: PubMed 8640229.

NM_000037.4(ANK1):c.4665_4669dup (p.His1557fs)

Gene: ANK1 (ankyrin 1; minus strand). Cytogenetic location: 8p11.21.
Variant type: Duplication.
Coding change: c.4665_4669dup on transcript NM_000037.4 (MANE Select); coding-DNA positions 4665 to 4669, 5 bases duplicated (GGAGC; older notation c.4665_4669dupGGAGC).
Protein change: p.His1557fs; shifts the reading frame from histidine 1557.
Molecular consequence: frameshift variant. On other transcripts: intron variant (1).
Genome position (GRCh38, 1-based): chr8:41,672,781-41,672,785, GCTCC duplicated on the plus strand (GGAGC on the coding strand, the reverse complement: ANK1 is on the minus strand); duplicating any 5 consecutive bases within chr8:41,672,781-41,672,786 gives the same sequence; the c. name uses the placement nearest the transcript's 3' end. VCF-style (leftmost placement, unchanged base first): chr8-41672780-T-TGCTCC. GRCh37 (hg19) VCF-style: chr8-41530298-T-TGCTCC.
Other names: c.4788_4792dup, p.His1598fs (NM_001142446.2); c.4665_4669dup, p.His1557fs (NM_020475.3, NM_020476.3); c.4538-359_4538-355dup (NM_020477.3); short protein forms H1598fs, H1557fs.
Identifiers: ClinVar variation 3728025 (VCV003728025.2).